The following is an entry in ClinVar:

ClinVar aggregate classification (germline): Benign (1 of 4 stars; one submission).

Conditions:
TBX21-related disorder. Also called: TBX21-related condition.

gnomAD v4.1: 78,286 of 1,614,176 alleles (4.8%); highest among the groups gnomAD compares: South Asian, 17%; 3,042 homozygotes.

Submission:

PreventionGenetics, part of Exact Sciences
Classification: Benign for TBX21-related condition. Last evaluated: 2025-04-09. Review status: criteria provided, single submitter. Criteria: ACMG Guidelines, 2015. Collection method: clinical testing. Allele origin: germline.
Comment: This variant is classified as benign based on ACMG/AMP sequence variant interpretation guidelines (Richards et al. 2015 PMID: 25741868, with internal and published modifications).

NM_013351.2(TBX21):c.1455G>A (p.Pro485=)

Gene: TBX21 (T-box transcription factor 21; plus strand). Cytogenetic location: 17q21.32.
Variant type: single nucleotide variant.
Coding change: c.1455G>A on transcript NM_013351.2 (MANE Select); coding-DNA position 1455, G replaced by A.
Protein change: p.Pro485=; no amino-acid change (proline 485 retained).
Molecular consequence: synonymous variant.
Genome position (GRCh38, 1-based): chr17:47,745,213, G>A. VCF-style: chr17-47745213-G-A. GRCh37 (hg19) VCF-style: chr17-45822579-G-A.
Identifiers: ClinVar variation 4989893 (VCV004989893.1).